The following is an entry in ClinVar:

ClinVar aggregate classification (germline): Uncertain significance (1 of 4 stars; one submission).

Submission:

GeneDx
Classification: Uncertain significance. Last evaluated: 2023-06-22. Review status: criteria provided, single submitter. Criteria: GeneDx Variant Classification Process June 2021. Collection method: clinical testing. Allele origin: germline. Affected: yes.
Comment: In-frame duplication of 3 Aspartate residues, which results in an allele with 16 Aspartate residues, or a D16 allele; Significantly over-represented in a study of Han Chinese patients with ankylosing spondylitis (Liu et al., 2010); Reported in 5.8% (43/740) alleles of patients with developmental hip dysplasia in the Han Chinese population, but also seen in 4.4% (39/890) alleles of control samples, which was not a statistically significant difference (Shi et al., 2011); This variant is associated with the following publications: (PMID: 15640800, 21329514, 20144272)

NM_017680.6(ASPN):c.114TGA[17] (p.Asp50_Glu51insAspAspAspAsp)

Genes: ASPN (asporin; minus strand), CENPP (centromere protein P; plus strand). Cytogenetic location: 9q22.31.
Variant type: Microsatellite.
Coding change: c.114TGA[17] on transcript NM_017680.6 (MANE Select); 17 copies in a row of the 3-base unit TGA starting at c.114; the reference has 14 copies in a row; three copies, 9 bases duplicated.
Protein change: p.Asp50_Glu51insAspAspAspAsp.
Molecular consequence: inframe insertion. On other transcripts: intron variant (2).
Genome position (GRCh38, 1-based): chr9:92,474,743-92,474,751, TCATCATCA duplicated on the plus strand (TGATGATGA on the coding strand, the reverse complement: ASPN is on the minus strand); duplicating any 9 consecutive bases within chr9:92,474,743-92,474,786 gives the same sequence; the position shown is the placement nearest the transcript's 3' end. VCF-style (leftmost placement, unchanged base first): chr9-92474742-C-CTCATCATCA. GRCh37 (hg19) VCF-style: chr9-95237024-C-CTCATCATCA.
Other names: c.144_152dupTGATGATGA (NM_017680.4); c.114TGA[17], p.Asp50_Glu51insAspAspAspAsp (NM_001193335.3); c.228+94884TCA[17] (NM_001286969.1); c.564+94884TCA[17] (NM_001012267.3).
Identifiers: ClinVar variation 419955 (VCV000419955.8), dbSNP rs3078372, ClinGen allele CA16618866.
Genomic context (GRCh38, chr9:92,474,742, plus strand): 5'-AAACAGATCAAATGGAAAAAAATGGCTTCTTGGCTCTCTTGTTGGAAAAAGAGAGTTGTC[C>CTCATCATCA]TCATCATCATCATCATCATCATCATCATCATCATCATCATCATCTGTGTCTTCCATATCC-3'